The following is an entry in ClinVar:

NM_012335.4(MYO1F):c.1294C>T (p.Arg432Cys)

Gene: MYO1F (myosin IF; minus strand). Cytogenetic location: 19p13.2.
Variant type: single nucleotide variant.
Coding change: c.1294C>T on transcript NM_012335.4 (MANE Select); coding-DNA position 1294, C replaced by T.
Protein change: p.Arg432Cys; replaces arginine 432 with cysteine.
Molecular consequence: missense variant.
Genome position (GRCh38, 1-based): chr19:8,545,712, G>A on the plus strand (C>T on the coding strand, the complement: MYO1F is on the minus strand). VCF-style: chr19-8545712-G-A. GRCh37 (hg19) VCF-style: chr19-8610596-G-A.
Other names: c.1282C>T, p.Arg428Cys (NM_001348355.2); short protein forms R428C, R432C.
Identifiers: ClinVar variation 789852 (VCV000789852.8), dbSNP rs201654775, ClinGen allele CA9159348.
Genomic context (GRCh38, chr19:8,545,712, plus strand): 5'-GCTTGTTTTCGATGAGGTCACAGACGACCTTGTTGTTGAAGTACTGGATTGGAGTCCAGC[G>A]GATGCCTTCCTGCACATACTCCTCCTGGGGTGGAAAAGGGGGTGGATGTGGGGGCCAGTG-3'
Protein context (NP_036467.2, residues 422-442): EQEEYVQEGI[Arg432Cys]WTPIQYFNNK

ClinVar aggregate classification (germline): Likely benign. Review status: criteria provided, multiple submitters, no conflicts (2 of 4 stars). 4 submissions from 4 submitters: Likely benign (3). 1 of the submissions does not count toward it. Last evaluated 2018-08-06.

Conditions:
MYO1F-related disorder. Also called: MYO1F-related condition.

Allele frequency attached by ClinVar (database versions not stated): 1000 Genomes Project 0.00020; 1000 Genomes Project 30x 0.00031; gnomAD exomes 0.00046 and 0.00094; ExAC 0.00049; gnomAD 0.00127 and 0.00137; TOPMed 0.00158; ESP Exome Variant Server 0.00200.
gnomAD v4.1: 1,582 of 1,614,020 alleles (0.098%); highest among the groups gnomAD compares: African/African-American, 0.28%; 1 homozygote.

Submissions (4):

GeneDx
Classification: Likely benign. Last evaluated: 2018-08-06. Review status: criteria provided, single submitter. Criteria: GeneDx Variant Classification Process June 2021. Collection method: clinical testing. Allele origin: germline. Affected: yes.

Labcorp Genetics (formerly Invitae), Labcorp
Classification: Likely benign. Last evaluated: 2018-07-16. Review status: criteria provided, single submitter. Criteria: Invitae Variant Classification Sherloc (09022015). Collection method: clinical testing. Allele origin: germline.

Breakthrough Genomics
Classification: Likely benign. Review status: criteria provided, single submitter. Criteria: ACMG Guidelines, 2015. Collection method: not provided. Allele origin: germline. Inheritance: Unknown mechanism. Affected: yes.

PreventionGenetics, part of Exact Sciences
Classification: Likely benign for MYO1F-related condition. Last evaluated: 2023-07-31. Review status: no assertion criteria provided. Collection method: clinical testing. Allele origin: germline. Not counted in ClinVar's aggregate classification.
Comment: This variant is classified as likely benign based on ACMG/AMP sequence variant interpretation guidelines (Richards et al. 2015 PMID: 25741868, with internal and published modifications).